The following is an entry in ClinVar:

ClinVar aggregate classification (germline): Benign. Review status: criteria provided, multiple submitters, no conflicts (2 of 4 stars). 3 submissions from 3 submitters: Benign (3). Last evaluated 2026-01-15.

Conditions:
46,XY sex reversal 7. Also called: DHH-Related 46,XY complete gonadal dysgenesis; 46,XY SEX REVERSAL, PARTIAL OR COMPLETE, DHH-RELATED; 46,XY GONADAL DYSGENESIS, PARTIAL OR COMPLETE, DHH-RELATED; GONADAL DYSGENESIS, XY, MALE-LIMITED. Identifiers: Orphanet 242, MedGen C1856273, MONDO:0009301, OMIM 233420.

Allele frequency attached by ClinVar (database versions not stated): gnomAD 0.00013 and 0.00014; gnomAD exomes 0.00014 and 0.00071; 1000 Genomes Project 0.00020; TOPMed 0.00025; 1000 Genomes Project 30x 0.00031; ExAC 0.00064.

Submissions (3):

Labcorp Genetics (formerly Invitae), Labcorp
Classification: Benign for 46,XY sex reversal 7. Last evaluated: 2026-01-15. Review status: criteria provided, single submitter. Criteria: Invitae Variant Classification Sherloc (09022015). Collection method: clinical testing. Allele origin: germline.

Mayo Clinic Laboratories, Mayo Clinic
Classification: Benign. Last evaluated: 2024-12-31. Review status: criteria provided, single submitter. Criteria: ACMG Guidelines, 2015. Collection method: clinical testing. Allele origin: germline. Observed: 1 variant allele.
Comment: BA1, BP4, BP7

Breakthrough Genomics
Classification: Benign. Review status: criteria provided, single submitter. Criteria: ACMG Guidelines, 2015. Collection method: not provided. Allele origin: germline. Inheritance: Autosomal recessive inheritance. Affected: yes.

NM_021044.4(DHH):c.192G>A (p.Glu64=)

Genes: DHH (desert hedgehog signaling molecule; minus strand), DHH-AS1 (DHH antisense RNA 1; plus strand). Cytogenetic location: 12q13.12.
Variant type: single nucleotide variant.
Coding change: c.192G>A on transcript NM_021044.4 (MANE Select); coding-DNA position 192, G replaced by A.
Protein change: p.Glu64=; no amino-acid change (glutamic acid 64 retained).
Molecular consequence: synonymous variant.
Genome position (GRCh38, 1-based): chr12:49,094,321, C>T on the plus strand (G>A on the coding strand, the complement: DHH is on the minus strand). VCF-style: chr12-49094321-C-T. GRCh37 (hg19) VCF-style: chr12-49488104-C-T.
Other names: p.Glu64=.
Identifiers: ClinVar variation 775008 (VCV000775008.13), dbSNP rs201464596, ClinGen allele CA6549236.